The following is an entry in ClinVar:

ClinVar aggregate classification (germline): Uncertain significance (1 of 4 stars; one submission).

Conditions:
Emery-Dreifuss muscular dystrophy 5, autosomal dominant (EDMD5). Also called: EMERY-DREIFUSS MUSCULAR DYSTROPHY 5. Identifiers: Orphanet 261, MedGen C2751805, MONDO:0013072, OMIM 612999.

Allele frequency attached by ClinVar (database versions not stated): TOPMed 0.00004; gnomAD exomes 0.00005 and 0.00016; gnomAD 0.00006; ESP Exome Variant Server 0.00008; 1000 Genomes Project 30x 0.00016; 1000 Genomes Project 0.00020; ExAC 0.00023.
gnomAD v4.1: 94 of 1,614,016 alleles (0.0058%); highest among the groups gnomAD compares: South Asian, 0.0055%; 1 homozygote.

Submission:

Labcorp Genetics (formerly Invitae), Labcorp
Classification: Uncertain significance for Emery-Dreifuss muscular dystrophy 5, autosomal dominant. Last evaluated: 2021-06-17. Review status: criteria provided, single submitter. Criteria: Invitae Variant Classification Sherloc (09022015). Collection method: clinical testing. Allele origin: germline.
Comment: In summary, the available evidence is currently insufficient to determine the role of this variant in disease. Therefore, it has been classified as a Variant of Uncertain Significance. Algorithms developed to predict the effect of missense changes on protein structure and function output the following: SIFT: "Tolerated"; PolyPhen-2: "Benign"; Align-GVGD: "Class C0". The isoleucine amino acid residue is found in multiple mammalian species, suggesting that this missense change does not adversely affect protein function. These predictions have not been confirmed by published functional studies and their clinical significance is uncertain. This variant has not been reported in the literature in individuals with SYNE2-related conditions. This variant is present in population databases (rs192424808, ExAC 0.05%), and has an allele count higher than expected for a pathogenic variant (PMID: 28166811). This sequence change replaces valine with isoleucine at codon 2316 of the SYNE2 protein (p.Val2316Ile). The valine residue is weakly conserved and there is a small physicochemical difference between valine and isoleucine.

Literature cited by the submitters: PubMed 28166811.

NM_182914.3(SYNE2):c.6946G>A (p.Val2316Ile)

Gene: SYNE2 (spectrin repeat containing nuclear envelope protein 2; plus strand). Cytogenetic location: 14q23.2.
Variant type: single nucleotide variant.
Coding change: c.6946G>A on transcript NM_182914.3 (MANE Select); coding-DNA position 6946, G replaced by A.
Protein change: p.Val2316Ile; replaces valine 2316 with isoleucine.
Molecular consequence: missense variant.
Genome position (GRCh38, 1-based): chr14:64,031,082, G>A. VCF-style: chr14-64031082-G-A. GRCh37 (hg19) VCF-style: chr14-64497800-G-A.
Other names: c.6946G>A, p.Val2316Ile (NM_015180.6); short protein forms V2316I.
Identifiers: ClinVar variation 1509534 (VCV001509534.8), dbSNP rs192424808, ClinGen allele CA7220826.
Genomic context (GRCh38, chr14:64,031,082, plus strand): 5'-GAGAATAGACTCAGTTTACAAGATGGCACATTAAAGAAGATTTTAGCTTTAGCAAAATCC[G>A]TCAAGCAAAATACATCTTCAGTGGGGCAGAAGATTATTAAAGATGATATAAAATCACTTC-3'
Protein context (NP_878918.2, residues 2306-2326): LKKILALAKS[Val2316Ile]KQNTSSVGQK